The following is an entry in ClinVar:

NM_020779.4(WDR35):c.2164C>T (p.Arg722Cys)

Gene: WDR35 (WD repeat domain 35; minus strand). Cytogenetic location: 2p24.1.
Variant type: single nucleotide variant.
Coding change: c.2164C>T on transcript NM_020779.4 (MANE Select); coding-DNA position 2164, C replaced by T.
Protein change: p.Arg722Cys; replaces arginine 722 with cysteine.
Molecular consequence: missense variant.
Genome position (GRCh38, 1-based): chr2:19,937,846, G>A on the plus strand (C>T on the coding strand, the complement: WDR35 is on the minus strand). VCF-style: chr2-19937846-G-A. GRCh37 (hg19) VCF-style: chr2-20137607-G-A.
Other names: c.2197C>T, p.Arg733Cys (NM_001006657.2); short protein forms R722C, R733C.
Identifiers: ClinVar variation 811792 (VCV000811792.17), dbSNP rs374073530, ClinGen allele CA1543026.

ClinVar aggregate classification (germline): Uncertain significance. Review status: criteria provided, multiple submitters, no conflicts (2 of 4 stars). 6 submissions from 6 submitters: Uncertain significance (6). Last evaluated 2025-01-18.

Conditions:
Inborn genetic diseases. Identifiers: MedGen C0950123, MeSH D030342.
Cranioectodermal dysplasia 2 (CED2). Identifiers: Orphanet 1515, MedGen C3150874, MONDO:0013323, OMIM 613610.
Short-rib thoracic dysplasia 7 with or without polydactyly (SRTD7). Also called: Short rib polydactyly syndrome 5; SHORT-RIB THORACIC DYSPLASIA 7 WITH POLYDACTYLY. Identifiers: Orphanet 498497, Orphanet 93271, MedGen C3279792, MONDO:0013569, OMIM 614091.

Allele frequency attached by ClinVar (database versions not stated): gnomAD exomes 0.00005; ExAC 0.00007; ESP Exome Variant Server 0.00008; TOPMed 0.00009; gnomAD 0.00010 and 0.00011.
gnomAD v4.1: 83 of 1,614,002 alleles (0.0051%); highest among the groups gnomAD compares: African/African-American, 0.039%; no homozygotes.

Submissions (6):

Ambry Genetics
Classification: Uncertain significance for Inborn genetic diseases. Last evaluated: 2025-01-18. Review status: criteria provided, single submitter. Criteria: Ambry Variant Classification Scheme 2023. Collection method: clinical testing. Allele origin: germline.

Fulgent Genetics
Classification: Uncertain significance for Cranioectodermal dysplasia 2; Short-rib thoracic dysplasia 7 with or without polydactyly. Last evaluated: 2024-05-16. Review status: criteria provided, single submitter. Criteria: ACMG Guidelines, 2015. Collection method: clinical testing. Allele origin: germline.

Revvity Omics, Revvity
Classification: Uncertain significance. Last evaluated: 2023-12-01. Review status: criteria provided, single submitter. Criteria: ACMG Guidelines, 2015. Collection method: clinical testing. Allele origin: germline.

GeneDx
Classification: Uncertain significance. Last evaluated: 2022-06-22. Review status: criteria provided, single submitter. Criteria: GeneDx Variant Classification Process June 2021. Collection method: clinical testing. Allele origin: germline. Affected: yes.
Comment: In silico analysis supports that this missense variant has a deleterious effect on protein structure/function; Has not been previously published as pathogenic or benign to our knowledge

Labcorp Genetics (formerly Invitae), Labcorp
Classification: Uncertain significance for Cranioectodermal dysplasia 2; Short-rib thoracic dysplasia 7 with or without polydactyly. Last evaluated: 2021-08-13. Review status: criteria provided, single submitter. Criteria: Invitae Variant Classification Sherloc (09022015). Collection method: clinical testing. Allele origin: germline.
Comment: This sequence change replaces arginine with cysteine at codon 733 of the WDR35 protein (p.Arg733Cys). The arginine residue is highly conserved and there is a large physicochemical difference between arginine and cysteine. This variant is present in population databases (rs374073530, ExAC 0.03%). This variant has not been reported in the literature in individuals affected with WDR35-related conditions. Algorithms developed to predict the effect of missense changes on protein structure and function output the following: SIFT: "Deleterious"; PolyPhen-2: "Benign"; Align-GVGD: "Class C25". The cysteine amino acid residue is found in multiple mammalian species, which suggests that this missense change does not adversely affect protein function. In summary, the available evidence is currently insufficient to determine the role of this variant in disease. Therefore, it has been classified as a Variant of Uncertain Significance.

ARUP Laboratories, Molecular Genetics and Genomics, ARUP Laboratories
Classification: Uncertain significance. Last evaluated: 2018-10-06. Review status: criteria provided, single submitter. Criteria: ARUP Molecular Germline Variant Investigation Process. Collection method: clinical testing. Allele origin: germline.
Comment: The WDR35 c.2197C>T; p.Arg733Cys variant (rs374073530), to our knowledge, is not reported in the medical literature or gene specific databases. This variant is found in the African population with an allele frequency of 0.037% (9/24,034 alleles) in the Genome Aggregation Database. The arginine at codon 733 is highly conserved, but computational analyses (SIFT: damaging, PolyPhen-2: benign) predict conflicting effects of this variant on protein structure/function. Due to limited information, the clinical significance of the p.Arg733Cys variant is uncertain at this time.